The following is an entry in ClinVar:

NM_000455.5(STK11):c.679G>A (p.Gly227Ser)

Gene: STK11 (serine/threonine kinase 11; plus strand). Cytogenetic location: 19p13.3.
Variant type: single nucleotide variant.
Coding change: c.679G>A on transcript NM_000455.5 (MANE Select); coding-DNA position 679, G replaced by A.
Protein change: p.Gly227Ser; replaces glycine 227 with serine.
Molecular consequence: missense variant.
Genome position (GRCh38, 1-based): chr19:1,220,662, G>A. VCF-style: chr19-1220662-G-A. GRCh37 (hg19) VCF-style: chr19-1220661-G-A.
Other names: short protein forms G227S.
Identifiers: ClinVar variation 644132 (VCV000644132.23), dbSNP rs1599926923, ClinGen allele CA402949752.
Genomic context (GRCh38, chr19:1,220,662, plus strand): 5'-GACGACACCTGCCGGACCAGCCAGGGCTCCCCGGCTTTCCAGCCGCCCGAGATTGCCAAC[G>A]GCCTGGACACCTTCTCCGGCTTCAAGGTGGACATCTGGTCGGCTGGGGTCACCCTGTAAG-3'
Protein context (NP_000446.1, residues 217-237): PAFQPPEIAN[Gly227Ser]LDTFSGFKVD

ClinVar aggregate classification (germline): Uncertain significance. Review status: criteria provided, multiple submitters, no conflicts (2 of 4 stars). 6 submissions from 6 submitters: Uncertain significance (6). Last evaluated 2025-10-23.

Conditions:
Hereditary cancer-predisposing syndrome. Also called: Neoplastic Syndromes, Hereditary; Hereditary Cancer Syndrome; Hereditary neoplastic syndrome; Tumor predisposition. Identifiers: Orphanet 140162, MedGen C0027672, MeSH D009386, MONDO:0015356.
Peutz-Jeghers syndrome (PJS). Also called: POLYPOSIS, HAMARTOMATOUS INTESTINAL; POLYPS-AND-SPOTS SYNDROME; Peutz-Jeghers polyposis; Periorificial lentiginosis syndrome. Identifiers: Orphanet 2869, MedGen C0031269, MeSH D010580, MONDO:0008280, OMIM 175200.

Allele frequency attached by ClinVar (database versions not stated): gnomAD exomes below 0.00001.

Submissions (6):

Ambry Genetics
Classification: Uncertain significance for Hereditary cancer-predisposing syndrome. Last evaluated: 2025-10-23. Review status: criteria provided, single submitter. Criteria: Ambry Variant Classification Scheme 2023. Collection method: clinical testing. Allele origin: germline.
Comment: The p.G227S variant (also known as c.679G>A), located in coding exon 5 of the STK11 gene, results from a G to A substitution at nucleotide position 679. The glycine at codon 227 is replaced by serine, an amino acid with similar properties. This amino acid position is highly conserved in available vertebrate species. In addition, this alteration is predicted to be deleterious by in silico analysis. Since supporting evidence is limited at this time, the clinical significance of this alteration remains unclear.

Labcorp Genetics (formerly Invitae), Labcorp
Classification: Uncertain significance for Peutz-Jeghers syndrome. Last evaluated: 2025-07-21. Review status: criteria provided, single submitter. Criteria: Invitae Variant Classification Sherloc (09022015). Collection method: clinical testing. Allele origin: germline.
Comment: This sequence change replaces glycine, which is neutral and non-polar, with serine, which is neutral and polar, at codon 227 of the STK11 protein (p.Gly227Ser). This variant is not present in population databases (gnomAD no frequency). This variant has not been reported in the literature in individuals affected with STK11-related conditions. ClinVar contains an entry for this variant (Variation ID: 644132). Invitae Evidence Modeling of protein sequence and biophysical properties (such as structural, functional, and spatial information, amino acid conservation, physicochemical variation, residue mobility, and thermodynamic stability) has been performed for this missense variant. However, the output from this modeling did not meet the statistical confidence thresholds required to predict the impact of this variant on STK11 protein function. In summary, the available evidence is currently insufficient to determine the role of this variant in disease. Therefore, it has been classified as a Variant of Uncertain Significance.

Color Diagnostics, LLC DBA Color Health
Classification: Uncertain significance for Hereditary cancer-predisposing syndrome. Last evaluated: 2024-03-06. Review status: criteria provided, single submitter. Criteria: ACMG Guidelines, 2015. Collection method: clinical testing. Allele origin: germline.
Comment: This missense variant replaces glycine with serine at codon 227 of the STK11 protein. Computational prediction suggests that this variant may have deleterious impact on protein structure and function. To our knowledge, functional studies have not been reported for this variant. This variant has not been reported in individuals affected with STK11-related disorders in the literature. This variant has not been identified in the general population by the Genome Aggregation Database (gnomAD). The available evidence is insufficient to determine the role of this variant in disease conclusively. Therefore, this variant is classified as a Variant of Uncertain Significance.

All of Us Research Program, National Institutes of Health
Classification: Uncertain significance for Peutz-Jeghers syndrome. Last evaluated: 2024-02-05. Review status: criteria provided, single submitter. Criteria: ACMG Guidelines, 2015. Collection method: clinical testing. Allele origin: germline. Inheritance: Autosomal dominant inheritance. Observed: 1 variant allele, 1 heterozygote.
Comment: This missense variant replaces glycine with serine at codon 227 of the STK11 protein. Computational prediction tool suggests that this variant may have deleterious impact on protein structure and function (internally defined REVEL score threshold >=0.7, PMID: 27666373). Splice site prediction tools suggest that this variant may not impact RNA splicing. To our knowledge, functional studies have not been performed for this variant. This variant has not been reported in individuals affected with hereditary cancer in the literature. This variant has not been identified in the general population by the Genome Aggregation Database (gnomAD). The available evidence is insufficient to determine the role of this variant in disease conclusively. Therefore, this variant is classified as a Variant of Uncertain Significance.

This study involves interpretation of variants in research participants for the purpose of population health screening. Participant phenotype was not available at the time of variant classification. Additional details can be found in publication PMID: 35346344, PMCID: PMC8962531

Genome-Nilou Lab
Classification: Uncertain significance for Peutz-Jeghers syndrome. Last evaluated: 2021-07-15. Review status: criteria provided, single submitter. Criteria: ACMG Guidelines, 2015. Collection method: clinical testing. Allele origin: germline. Affected: no.

Quest Diagnostics Nichols Institute San Juan Capistrano
Classification: Uncertain significance. Last evaluated: 2021-05-18. Review status: criteria provided, single submitter. Criteria: Quest Diagnostics criteria. Collection method: clinical testing. Allele origin: unknown.